The following is an entry in ClinVar:

ClinVar aggregate classification (germline): Uncertain significance (1 of 4 stars; one submission).

Conditions:
Hereditary cancer-predisposing syndrome. Also called: Neoplastic Syndromes, Hereditary; Hereditary neoplastic syndrome; Tumor predisposition; Hereditary Cancer Syndrome. Identifiers: Orphanet 140162, MedGen C0027672, MeSH D009386, MONDO:0015356.

Submission:

Ambry Genetics
Classification: Uncertain significance for Hereditary cancer-predisposing syndrome. Last evaluated: 2025-10-23. Review status: criteria provided, single submitter. Criteria: Ambry Variant Classification Scheme 2023. Collection method: clinical testing. Allele origin: germline.
Comment: The p.Q152L variant (also known as c.455A>T), located in coding exon 3 of the STK11 gene, results from an A to T substitution at nucleotide position 455. The glutamine at codon 152 is replaced by leucine, an amino acid with dissimilar properties. This amino acid position is conserved. In addition, this alteration is predicted to be deleterious by in silico analysis. Since supporting evidence is limited at this time, the clinical significance of this alteration remains unclear.

NM_000455.5(STK11):c.455A>T (p.Gln152Leu)

Gene: STK11 (serine/threonine kinase 11; plus strand). Cytogenetic location: 19p13.3.
Variant type: single nucleotide variant.
Coding change: c.455A>T on transcript NM_000455.5 (MANE Select); coding-DNA position 455, A replaced by T.
Protein change: p.Gln152Leu; replaces glutamine 152 with leucine.
Molecular consequence: missense variant. On other transcripts: non-coding transcript variant (1).
Genome position (GRCh38, 1-based): chr19:1,219,404, A>T. VCF-style: chr19-1219404-A-T. GRCh37 (hg19) VCF-style: chr19-1219403-A-T.
Other names: c.455A>T, p.Gln152Leu (NM_001407255.1); short protein forms Q152L.
Identifiers: ClinVar variation 2474827 (VCV002474827.3), dbSNP rs2145422513, ClinGen allele CA402948375.